The following is an entry in ClinVar:

NM_015046.7(SETX):c.2975A>G (p.Lys992Arg)

Gene: SETX (senataxin; minus strand). Cytogenetic location: 9q34.13.
Variant type: single nucleotide variant.
Coding change: c.2975A>G on transcript NM_015046.7 (MANE Select); coding-DNA position 2975, A replaced by G.
Protein change: p.Lys992Arg; replaces lysine 992 with arginine.
Molecular consequence: missense variant.
Genome position (GRCh38, 1-based): chr9:132,328,623, T>C on the plus strand (A>G on the coding strand, the complement: SETX is on the minus strand). VCF-style: chr9-132328623-T-C. GRCh37 (hg19) VCF-style: chr9-135204010-T-C.
Other names: c.2975A>G, p.Lys992Arg (NM_001351527.2, NM_001351528.2); short protein forms K992R.
Identifiers: ClinVar variation 260502 (VCV000260502.102), dbSNP rs61742937, ClinGen allele CA5297507.
Genomic context (GRCh38, chr9:132,328,623, plus strand): 5'-TGTCCACGGGAGGTATCTCCAACATTATTTTGGTTAGCTGTGAAACATCTTTTATCTTCT[T>C]TTACTTTCCTTTGCAGCTGCGATGAGTTCTGAGGTGAATCGGATGGGAACGTAATAACAC-3'
Protein context (NP_055861.3, residues 982-1002): QNSSQLQRKV[Lys992Arg]EDKRCFTANQ

ClinVar aggregate classification (germline): Conflicting classifications of pathogenicity. Review status: criteria provided, conflicting classifications (1 of 4 stars). 16 submissions from 15 submitters: Uncertain significance (1); Benign (11). 4 of the submissions do not count toward it. Last evaluated 2026-09-01.

Conditions:
Spastic paraplegia. Identifiers: MedGen C0037772, HP:0001258.
Spinocerebellar ataxia, autosomal recessive, with axonal neuropathy 2 (SCAN2). Also called: Ataxia with Oculomotor Apraxia Type 2; Ataxia with Oculomotor Apraxia; ATAXIA-OCULOMOTOR APRAXIA 2; Ataxia-ocular apraxia-2. Identifiers: Orphanet 64753, MedGen C1853761, MONDO:0018996, OMIM 606002.
Amyotrophic lateral sclerosis type 4 (ALS4). Also called: AMYOTROPHIC LATERAL SCLEROSIS 4, JUVENILE; NEURONOPATHY, DISTAL HEREDITARY MOTOR, WITH PYRAMIDAL FEATURES. Identifiers: Orphanet 357043, MedGen C1865409, MONDO:0011223, OMIM 602433.
Hereditary spastic paraplegia. Also called: Familial spastic paraparesis. Identifiers: Orphanet 685, MedGen C0037773, MONDO:0019064. Disease mechanism: loss of function.

Allele frequency attached by ClinVar (database versions not stated): 1000 Genomes Project 30x 0.00593; 1000 Genomes Project 0.00659; TOPMed 0.01126; ESP Exome Variant Server 0.01169; gnomAD 0.01405 and 0.01445; gnomAD exomes 0.01459 and 0.01522; ExAC 0.01510.
gnomAD v4.1: 23,388 of 1,613,490 alleles (1.4%); highest among the groups gnomAD compares: Non-Finnish European, 1.5%; 252 homozygotes.

Submissions (31):

CeGaT Center for Human Genetics Tuebingen
Classification: Benign. Last evaluated: 2026-09-01. Review status: criteria provided, single submitter. Criteria: CeGaT Center For Human Genetics Tuebingen Variant Classification Criteria Version 2. Collection method: clinical testing. Allele origin: germline. Affected: yes. Observed: 99 variant alleles.
Comment: SETX: BP4, BS1, BS2

Labcorp Genetics (formerly Invitae), Labcorp
Classification: Benign for Amyotrophic lateral sclerosis type 4; Spinocerebellar ataxia, autosomal recessive, with axonal neuropathy 2. Last evaluated: 2026-02-04. Review status: criteria provided, single submitter. Criteria: Invitae Variant Classification Sherloc (09022015). Collection method: clinical testing. Allele origin: germline.

Athena Diagnostics
Classification: Benign. Last evaluated: 2025-09-24. Review status: criteria provided, single submitter. Criteria: Athena Diagnostics Criteria. Collection method: clinical testing. Allele origin: unknown.
Comment: The frequency of this variant in the general population is higher than would generally be expected for pathogenic variants in this gene.

ARUP Laboratories, Molecular Genetics and Genomics, ARUP Laboratories
Classification: Benign. Last evaluated: 2025-07-09. Review status: criteria provided, single submitter. Criteria: ARUP Molecular Germline Variant Investigation Process 2024. Collection method: clinical testing. Allele origin: germline.

Genome Diagnostics Laboratory, The Hospital for Sick Children
Classification: Benign for Hereditary spastic paraplegia. Last evaluated: 2021-07-08. Review status: criteria provided, single submitter. Criteria: ACMG Guidelines, 2015. Collection method: clinical testing. Allele origin: germline. Affected: yes.

Mayo Clinic Laboratories, Mayo Clinic
Classification: Benign. Last evaluated: 2021-02-26. Review status: criteria provided, single submitter. Criteria: ACMG Guidelines, 2015. Collection method: clinical testing. Allele origin: germline. Observed: 83 variant alleles.

GeneDx
Classification: Benign. Last evaluated: 2018-11-27. Review status: criteria provided, single submitter. Criteria: GeneDx Variant Classification Process June 2021. Collection method: clinical testing. Allele origin: germline. Affected: yes.
Comment: This variant is associated with the following publications: (PMID: 28430856, 27884173, 17159128, 23941260, 23129421, 20981092, 24083349, 23881933)

Illumina Laboratory Services, Illumina
Classification: Benign for Amyotrophic lateral sclerosis type 4. Last evaluated: 2018-03-06. Review status: criteria provided, single submitter. Criteria: ICSL Variant Classification Criteria 13 December 2019. Collection method: clinical testing. Allele origin: germline.
Comment: This variant was observed in the ICSL laboratory as part of a predisposition screen in an ostensibly healthy population. It had not been previously curated by ICSL or reported in the Human Gene Mutation Database (HGMD: prior to June 1st, 2018), and was therefore a candidate for classification through an automated scoring system. Utilizing variant allele frequency, disease prevalence and penetrance estimates, and inheritance mode, an automated score was calculated to assess if this variant is too frequent to cause the disease. Based on the score and internal cut-off values, a variant classified as benign is not then subjected to further curation. The score for this variant resulted in a classification of benign for this disease.

Illumina Laboratory Services, Illumina
Classification: Benign for Spinocerebellar ataxia, autosomal recessive, with axonal neuropathy 2. Last evaluated: 2018-03-06. Review status: criteria provided, single submitter. Criteria: ICSL Variant Classification Criteria 13 December 2019. Collection method: clinical testing. Allele origin: germline.
Comment: the same text as in the submission from Illumina Laboratory Services, Illumina above.

Eurofins Ntd Llc (ga)
Classification: Benign. Last evaluated: 2017-05-05. Review status: criteria provided, single submitter. Criteria: EGL Classification Definitions 2015. Collection method: clinical testing. Allele origin: germline. Observed: 1 variant allele, 1 heterozygote.

Paris Brain Institute, Inserm - ICM
Classification: Uncertain significance for Spastic paraplegia. Review status: criteria provided, single submitter. Criteria: ACMG Guidelines, 2015. Collection method: clinical testing. Allele origin: unknown. Affected: yes. Observed: 1 variant allele.

PreventionGenetics, part of Exact Sciences
Classification: Benign. Review status: criteria provided, single submitter. Criteria: ACMG Guidelines, 2015. Collection method: clinical testing. Allele origin: germline.

Clinical Genetics DNA and cytogenetics Diagnostics Lab, Erasmus MC, Erasmus Medical Center
Classification: Benign. Review status: no assertion criteria provided. Collection method: clinical testing. Allele origin: germline. Affected: yes. Study: VKGL Data-share Consensus. Not counted in ClinVar's aggregate classification.

Clinical Genetics, Academic Medical Center
Classification: Benign. Review status: no assertion criteria provided. Collection method: clinical testing. Allele origin: germline. Affected: yes. Study: VKGL Data-share Consensus. Not counted in ClinVar's aggregate classification.

Dr. Peter K. Rogan Lab, Western University
No classification provided (evidence only). Condition: Melanoma. Review status: no classification provided. Collection method: in vitro. Allele origin: not applicable. Functional consequence: retained intron. Not counted in ClinVar's aggregate classification.

Dr. Peter K. Rogan Lab, Western University
No classification provided (evidence only). Condition: Melanoma. Review status: no classification provided. Collection method: in vitro. Allele origin: not applicable. Functional consequence: retained intron. Not counted in ClinVar's aggregate classification.

Dr. Peter K. Rogan Lab, Western University
No classification provided (evidence only). Condition: Acute myeloid leukemia. Review status: no classification provided. Collection method: in vitro. Allele origin: not applicable. Functional consequence: retained intron. Not counted in ClinVar's aggregate classification.

Dr. Peter K. Rogan Lab, Western University
No classification provided (evidence only). Condition: Colon adenocarcinoma. Review status: no classification provided. Collection method: in vitro. Allele origin: not applicable. Functional consequence: retained intron. Not counted in ClinVar's aggregate classification.

Dr. Peter K. Rogan Lab, Western University
No classification provided (evidence only). Condition: Colorectal cancer. Review status: no classification provided. Collection method: in vitro. Allele origin: not applicable. Functional consequence: retained intron. Not counted in ClinVar's aggregate classification.

Dr. Peter K. Rogan Lab, Western University
No classification provided (evidence only). Condition: Thyroid cancer, nonmedullary, 1. Review status: no classification provided. Collection method: in vitro. Allele origin: not applicable. Functional consequence: retained intron. Not counted in ClinVar's aggregate classification.

Dr. Peter K. Rogan Lab, Western University
No classification provided (evidence only). Condition: Thyroid cancer, nonmedullary, 1. Review status: no classification provided. Collection method: in vitro. Allele origin: not applicable. Functional consequence: retained intron. Not counted in ClinVar's aggregate classification.

Dr. Peter K. Rogan Lab, Western University
No classification provided (evidence only). Condition: Cervical cancer. Review status: no classification provided. Collection method: in vitro. Allele origin: not applicable. Functional consequence: retained intron. Not counted in ClinVar's aggregate classification.

Dr. Peter K. Rogan Lab, Western University
No classification provided (evidence only). Condition: Malignant lymphoma, large B-cell, diffuse. Review status: no classification provided. Collection method: in vitro. Allele origin: not applicable. Functional consequence: retained intron. Not counted in ClinVar's aggregate classification.

Dr. Peter K. Rogan Lab, Western University
No classification provided (evidence only). Condition: Nonpapillary renal cell carcinoma. Review status: no classification provided. Collection method: in vitro. Allele origin: not applicable. Functional consequence: retained intron. Not counted in ClinVar's aggregate classification.

Dr. Peter K. Rogan Lab, Western University
No classification provided (evidence only). Condition: Nonpapillary renal cell carcinoma. Review status: no classification provided. Collection method: in vitro. Allele origin: not applicable. Functional consequence: retained intron. Not counted in ClinVar's aggregate classification.

Dr. Peter K. Rogan Lab, Western University
No classification provided (evidence only). Condition: Malignant tumor of esophagus. Review status: no classification provided. Collection method: in vitro. Allele origin: not applicable. Functional consequence: skipped exon. Not counted in ClinVar's aggregate classification.

Dr. Peter K. Rogan Lab, Western University
No classification provided (evidence only). Condition: Nonpapillary renal cell carcinoma. Review status: no classification provided. Collection method: in vitro. Allele origin: not applicable. Functional consequence: retained intron. Not counted in ClinVar's aggregate classification.

Dr. Peter K. Rogan Lab, Western University
No classification provided (evidence only). Condition: Familial pancreatic carcinoma. Review status: no classification provided. Collection method: in vitro. Allele origin: not applicable. Functional consequence: skipped exon. Not counted in ClinVar's aggregate classification.

Dr. Peter K. Rogan Lab, Western University
No classification provided (evidence only). Condition: Lymphoma. Review status: no classification provided. Collection method: in vitro. Allele origin: not applicable. Functional consequence: skipped exon. Not counted in ClinVar's aggregate classification.

Genome Diagnostics Laboratory, Amsterdam University Medical Center
Classification: Benign. Review status: no assertion criteria provided. Collection method: clinical testing. Allele origin: germline. Affected: yes. Study: VKGL Data-share Consensus. Not counted in ClinVar's aggregate classification.

Genome Diagnostics Laboratory, University Medical Center Utrecht
Classification: Likely benign. Review status: no assertion criteria provided. Collection method: clinical testing. Allele origin: germline. Affected: yes. Study: VKGL Data-share Consensus. Not counted in ClinVar's aggregate classification.

Literature cited by the submitters: PubMed 17159128 (cited by Athena Diagnostics); PubMed 19569000 (cited by Athena Diagnostics); PubMed 20981092 (cited by Athena Diagnostics); PubMed 23941260 (cited by Athena Diagnostics).